The following is an entry in ClinVar:

NM_003200.5(TCF3):c.350T>C (p.Val117Ala)

Gene: TCF3 (transcription factor 3; minus strand). Cytogenetic location: 19p13.3.
Variant type: single nucleotide variant.
Coding change: c.350T>C on transcript NM_003200.5 (MANE Select); coding-DNA position 350, T replaced by C.
Protein change: p.Val117Ala; replaces valine 117 with alanine.
Molecular consequence: missense variant.
Genome position (GRCh38, 1-based): chr19:1,627,375, A>G on the plus strand (T>C on the coding strand, the complement: TCF3 is on the minus strand). VCF-style: chr19-1627375-A-G. GRCh37 (hg19) VCF-style: chr19-1627374-A-G.
Other names: c.350T>C, p.Val117Ala (NM_001136139.4, NM_001351778.2, NM_001351779.2); short protein forms V117A.
Identifiers: ClinVar variation 2106865 (VCV002106865.4), dbSNP rs368651876, ClinGen allele CA9050440.
Genomic context (GRCh38, chr19:1,627,375, plus strand): 5'-TGTTTAAAATCAAAATACACCCCAGCCCGGCCCGAGCCCCTCACCTGAGTCAGGCCGCCC[A>G]CGCCTGCGTCTCTCCCGAAGGAGGCATAGGCGCCCCGCTCACCGCTCTTGCCTGCAAGGG-3'
Protein context (NP_003191.1, residues 107-127): AYASFGRDAG[Val117Ala]GGLTQAGFLS

ClinVar aggregate classification (germline): Uncertain significance (1 of 4 stars; one submission).

Allele frequency attached by ClinVar (database versions not stated): gnomAD exomes below 0.00001; gnomAD 0.00001; TOPMed 0.00001; 1000 Genomes Project 30x 0.00031.
gnomAD v4.1: 4 of 1,610,936 alleles (0.00025%); highest among the groups gnomAD compares: East Asian, 0.0067%; no homozygotes.

Submission:

Labcorp Genetics (formerly Invitae), Labcorp
Classification: Uncertain significance. Last evaluated: 2022-08-23. Review status: criteria provided, single submitter. Criteria: Invitae Variant Classification Sherloc (09022015). Collection method: clinical testing. Allele origin: germline.
Comment: This sequence change replaces valine, which is neutral and non-polar, with alanine, which is neutral and non-polar, at codon 117 of the TCF3 protein (p.Val117Ala). This variant is not present in population databases (gnomAD no frequency). This variant has not been reported in the literature in individuals affected with TCF3-related conditions. Algorithms developed to predict the effect of missense changes on protein structure and function are either unavailable or do not agree on the potential impact of this missense change (SIFT: "Not Available"; PolyPhen-2: "Benign"; Align-GVGD: "Not Available"). In summary, the available evidence is currently insufficient to determine the role of this variant in disease. Therefore, it has been classified as a Variant of Uncertain Significance.